The following is an entry in ClinVar:

ClinVar aggregate classification (germline): Uncertain significance (1 of 4 stars; one submission).

Conditions:
Inborn genetic diseases. Identifiers: MedGen C0950123, MeSH D030342.

Submission:

Ambry Genetics
Classification: Uncertain significance for Inborn genetic diseases. Last evaluated: 2026-06-22. Review status: criteria provided, single submitter. Criteria: Ambry Variant Classification Scheme 2023. Collection method: clinical testing. Allele origin: germline.
Comment: The p.L227I variant (also known as c.679C>A), located in coding exon 5 of the ELANE gene, results from a C to A substitution at nucleotide position 679. The leucine at codon 227 is replaced by isoleucine, an amino acid with highly similar properties. This amino acid position is conserved. In addition, this alteration is predicted to be tolerated by in silico analysis. Based on the available evidence, the clinical significance of this variant remains unclear.

NM_001972.4(ELANE):c.679C>A (p.Leu227Ile)

Gene: ELANE (elastase, neutrophil expressed; plus strand). Cytogenetic location: 19p13.3.
Variant type: single nucleotide variant.
Coding change: c.679C>A on transcript NM_001972.4 (MANE Select); coding-DNA position 679, C replaced by A.
Protein change: p.Leu227Ile; replaces leucine 227 with isoleucine.
Molecular consequence: missense variant.
Genome position (GRCh38, 1-based): chr19:856,039, C>A. VCF-style: chr19-856039-C-A. GRCh37 (hg19) VCF-style: chr19-856039-C-A.
Other names: short protein forms L227I.
Identifiers: ClinVar variation 5035878 (VCV005035878.1).
Genomic context (GRCh38, chr19:856,039, plus strand): 5'-GTCTGCAACGGGCTAATCCACGGAATTGCCTCCTTCGTCCGGGGAGGCTGCGCCTCAGGG[C>A]TCTACCCCGATGCCTTTGCCCCGGTGGCACAGTTTGTAAACTGGATCGACTCTATCATCC-3'
Protein context (NP_001963.1, residues 217-237): SFVRGGCASG[Leu227Ile]YPDAFAPVAQ